The following is an entry in ClinVar:

NM_138801.3(GALM):c.583A>C (p.Thr195Pro)

Gene: GALM (galactose mutarotase; plus strand). Cytogenetic location: 2p22.1.
Variant type: single nucleotide variant.
Coding change: c.583A>C on transcript NM_138801.3 (MANE Select); coding-DNA position 583, A replaced by C.
Protein change: p.Thr195Pro; replaces threonine 195 with proline.
Molecular consequence: missense variant.
Genome position (GRCh38, 1-based): chr2:38,689,843, A>C. VCF-style: chr2-38689843-A-C. GRCh37 (hg19) VCF-style: chr2-38916985-A-C.
Other names: short protein forms T195P.
Identifiers: ClinVar variation 3653164 (VCV003653164.2).
Genomic context (GRCh38, chr2:38,689,843, plus strand): 5'-GAAAACCTTTCCCCTACCTTTTCCTCCCAGGCTTCCCCAAATATAAATGACCATGAAGTC[A>C]CCATAGAAGCGGATACTTATTTGCCTGTGGATGAAACCCTGATTCCTACAGGTTGGTGAA-3'
Protein context (NP_620156.1, residues 185-205): ASPNINDHEV[Thr195Pro]IEADTYLPVD

ClinVar aggregate classification (germline): Uncertain significance (1 of 4 stars; one submission).

Submission:

Labcorp Genetics (formerly Invitae), Labcorp
Classification: Uncertain significance. Last evaluated: 2024-05-12. Review status: criteria provided, single submitter. Criteria: Invitae Variant Classification Sherloc (09022015). Collection method: clinical testing. Allele origin: germline.
Comment: This sequence change replaces threonine, which is neutral and polar, with proline, which is neutral and non-polar, at codon 195 of the GALM protein (p.Thr195Pro). This variant is not present in population databases (gnomAD no frequency). This variant has not been reported in the literature in individuals affected with GALM-related conditions. Advanced modeling of protein sequence and biophysical properties (such as structural, functional, and spatial information, amino acid conservation, physicochemical variation, residue mobility, and thermodynamic stability) performed at Invitae indicates that this missense variant is expected to disrupt GALM protein function with a positive predictive value of 80%. In summary, the available evidence is currently insufficient to determine the role of this variant in disease. Therefore, it has been classified as a Variant of Uncertain Significance.